The following is an entry in ClinVar:

NM_004415.4(DSP):c.512G>T (p.Gly171Val)

Gene: DSP (desmoplakin; plus strand). Cytogenetic location: 6p24.3.
Variant type: single nucleotide variant.
Coding change: c.512G>T on transcript NM_004415.4 (MANE Select); coding-DNA position 512, G replaced by T.
Protein change: p.Gly171Val; replaces glycine 171 with valine.
Molecular consequence: missense variant.
Genome position (GRCh38, 1-based): chr6:7,559,315, G>T. VCF-style: chr6-7559315-G-T. GRCh37 (hg19) VCF-style: chr6-7559548-G-T.
Other names: c.512G>T, p.Gly171Val (NM_001008844.3, NM_001319034.2, NM_001406591.1); short protein forms G171V.
Identifiers: ClinVar variation 3073213 (VCV003073213.1), dbSNP rs1019234013, ClinGen allele CA362672486.
Genomic context (GRCh38, chr6:7,559,315, plus strand): 5'-CCCTTTATAAAGCCATCAGTGTCCCTCGAGTCCGCAGGGCCAGCTCCAAGGGTGGTGGAG[G>T]CTACACTTGTCAGAGTGGCTCTGGCTGGGATGAGTTCACCAAACATGTCACCAGTGAATG-3'
Protein context (NP_004406.2, residues 161-181): VRRASSKGGG[Gly171Val]YTCQSGSGWD

ClinVar aggregate classification (germline): Uncertain significance (1 of 4 stars; one submission).

Conditions:
Arrhythmogenic cardiomyopathy with wooly hair and keratoderma. Also called: PALMOPLANTAR KERATODERMA WITH LEFT VENTRICULAR CARDIOMYOPATHY AND WOOLLY HAIR; Carvajal syndrome; Dilated cardiomyopathy with woolly hair and keratoderma; Arrhythmogenic cardiomyopathy with woolly hair and keratoderma. Identifiers: Orphanet 65282, MedGen C1854063, MONDO:0011581, OMIM 605676.

Submission:

All of Us Research Program, National Institutes of Health
Classification: Uncertain significance for Arrhythmogenic cardiomyopathy with wooly hair and keratoderma. Last evaluated: 2023-08-28. Review status: criteria provided, single submitter. Criteria: ACMG Guidelines, 2015. Collection method: clinical testing. Allele origin: germline. Inheritance: Autosomal dominant inheritance. Observed: 1 variant allele, 1 heterozygote.
Comment: This missense variant replaces glycine with valine at codon 171 of the DSP protein. Computational prediction suggests that this variant may not impact protein structure and function (internally defined REVEL score threshold <= 0.5, PMID: 27666373). To our knowledge, functional studies have not been reported for this variant. This variant has not been reported in individuals affected with DSP-related disorders in the literature. This variant has not been identified in the general population by the Genome Aggregation Database (gnomAD). The available evidence is insufficient to determine the role of this variant in disease conclusively. Therefore, this variant is classified as a Variant of Uncertain Significance.

This study involves interpretation of variants in research participants for the purpose of population health screening. Participant phenotype was not available at the time of variant classification. Additional details can be found in publication PMID: 35346344, PMCID: PMC8962531